The following is an entry in ClinVar:

NM_052947.4(ALPK2):c.6037C>G (p.Pro2013Ala)

Gene: ALPK2 (alpha kinase 2; minus strand). Cytogenetic location: 18q21.31.
Variant type: single nucleotide variant.
Coding change: c.6037C>G on transcript NM_052947.4 (MANE Select); coding-DNA position 6037, C replaced by G.
Protein change: p.Pro2013Ala; replaces proline 2013 with alanine.
Molecular consequence: missense variant.
Genome position (GRCh38, 1-based): chr18:58,504,141, G>C on the plus strand (C>G on the coding strand, the complement: ALPK2 is on the minus strand). VCF-style: chr18-58504141-G-C. GRCh37 (hg19) VCF-style: chr18-56171373-G-C.
Other names: short protein forms P2013A.
Identifiers: ClinVar variation 3531474 (VCV003531474.1).
Genomic context (GRCh38, chr18:58,504,141, plus strand): 5'-GCTCCTCCTCCACTGTAGCATACGGGATATTGTTCTCAGGCCGATGGATAAGAAAAATAG[G>C]AATGATCCTGGCAGGGAAGAGAACACAGGCGCACATCAAGGTCTCTACTGGGAAGAGAGG-3'
Protein context (NP_443179.3, residues 2003-2023): EGFGEVPEII[Pro2013Ala]IFLIHRPENN

ClinVar aggregate classification (germline): Uncertain significance (1 of 4 stars; one submission).

Submission:

Ambry Genetics
Classification: Uncertain significance. Last evaluated: 2024-09-12. Review status: criteria provided, single submitter. Criteria: Ambry Variant Classification Scheme 2023. Collection method: clinical testing. Allele origin: germline.
Comment: The p.P2013A variant (also known as c.6037C>G), located in coding exon 10 of the ALPK2 gene, results from a C to G substitution at nucleotide position 6037. The proline at codon 2013 is replaced by alanine, an amino acid with highly similar properties. This amino acid position is conserved. In addition, this alteration is predicted to be tolerated by in silico analysis. Based on the available evidence, the clinical significance of this variant remains unclear.